The following is an entry in ClinVar:

ClinVar aggregate classification (germline): Uncertain significance (1 of 4 stars; one submission).

Conditions:
Carnitine palmitoyl transferase 1A deficiency. Also called: Carnitine palmitoyltransferase 1A deficiency; CPT I DEFICIENCY; CPT DEFICIENCY, HEPATIC, TYPE I; CPT deficiency, hepatic, type IA; Carnitine palmitoyltransferase type I deficiency. Identifiers: Orphanet 156, MedGen C1829703, MONDO:0009705, OMIM 255120.

Allele frequency attached by ClinVar (database versions not stated): gnomAD exomes 0.00001; ExAC 0.00002; gnomAD 0.00002; TOPMed 0.00002; ESP Exome Variant Server 0.00008.
gnomAD v4.1: 24 of 1,614,062 alleles (0.0015%); highest among the groups gnomAD compares: South Asian, 0.018%; no homozygotes.

Submission:

Labcorp Genetics (formerly Invitae), Labcorp
Classification: Uncertain significance for Carnitine palmitoyl transferase 1A deficiency. Last evaluated: 2022-04-04. Review status: criteria provided, single submitter. Criteria: Invitae Variant Classification Sherloc (09022015). Collection method: clinical testing. Allele origin: germline.
Comment: This sequence change replaces proline, which is neutral and non-polar, with leucine, which is neutral and non-polar, at codon 513 of the CPT1A protein (p.Pro513Leu). This variant is present in population databases (rs146533704, gnomAD 0.02%). This variant has not been reported in the literature in individuals affected with CPT1A-related conditions. Algorithms developed to predict the effect of missense changes on protein structure and function are either unavailable or do not agree on the potential impact of this missense change (SIFT: "Deleterious"; PolyPhen-2: "Benign"; Align-GVGD: "Class C0"). In summary, the available evidence is currently insufficient to determine the role of this variant in disease. Therefore, it has been classified as a Variant of Uncertain Significance.

NM_001876.4(CPT1A):c.1538C>T (p.Pro513Leu)

Gene: CPT1A (carnitine palmitoyltransferase 1A; minus strand). Cytogenetic location: 11q13.3.
Variant type: single nucleotide variant.
Coding change: c.1538C>T on transcript NM_001876.4 (MANE Select); coding-DNA position 1538, C replaced by T.
Protein change: p.Pro513Leu; replaces proline 513 with leucine.
Molecular consequence: missense variant.
Genome position (GRCh38, 1-based): chr11:68,775,353, G>A on the plus strand (C>T on the coding strand, the complement: CPT1A is on the minus strand). VCF-style: chr11-68775353-G-A. GRCh37 (hg19) VCF-style: chr11-68542821-G-A.
Other names: c.1538C>T, p.Pro513Leu (NM_001031847.3); short protein forms P513L.
Identifiers: ClinVar variation 2144415 (VCV002144415.1), dbSNP rs146533704, ClinGen allele CA6152281.